The following is an entry in ClinVar:

NM_004360.5(CDH1):c.2625G>A (p.Met875Ile)

Gene: CDH1 (cadherin 1; plus strand). Cytogenetic location: 16q22.1.
Variant type: single nucleotide variant.
Coding change: c.2625G>A on transcript NM_004360.5 (MANE Select); coding-DNA position 2625, G replaced by A.
Protein change: p.Met875Ile; replaces methionine 875 with isoleucine.
Molecular consequence: missense variant.
Genome position (GRCh38, 1-based): chr16:68,833,475, G>A. VCF-style: chr16-68833475-G-A. GRCh37 (hg19) VCF-style: chr16-68867378-G-A.
Other names: c.2625G>A (LRG_301t1); c.2442G>A, p.Met814Ile (NM_001317184.2); c.1077G>A, p.Met359Ile (NM_001317185.2); c.660G>A, p.Met220Ile (NM_001317186.2); short protein forms M875I, M359I, M814I, M220I.
Identifiers: ClinVar variation 486828 (VCV000486828.13), dbSNP rs1555518291, ClinGen allele CA396472815.
Genomic context (GRCh38, chr16:68,833,475, plus strand): 5'-AGACCAGGACTATGACTACTTGAACGAATGGGGCAATCGCTTCAAGAAGCTGGCTGACAT[G>A]TACGGAGGCGGCGAGGACGACTAGGGGACTCGAGAGAGGCGGGCCCCAGACCCATGTGCT-3'
Protein context (NP_004351.1, residues 865-882): WGNRFKKLAD[Met875Ile]YGGGEDD

ClinVar aggregate classification (germline): Uncertain significance. Review status: criteria provided, multiple submitters, no conflicts (2 of 4 stars). 2 submissions from 2 submitters: Uncertain significance (2). Last evaluated 2021-08-03.

Conditions:
Hereditary cancer-predisposing syndrome. Also called: Tumor predisposition; Neoplastic Syndromes, Hereditary; Hereditary Cancer Syndrome; Hereditary neoplastic syndrome. Identifiers: Orphanet 140162, MedGen C0027672, MeSH D009386, MONDO:0015356.
Hereditary diffuse gastric adenocarcinoma (HDGC). Also called: DIFFUSE GASTRIC AND LOBULAR BREAST CANCER SYNDROME. Identifiers: Orphanet 26106, MedGen C1708349, MONDO:0007648, OMIM 137215.

Submissions (2):

Labcorp Genetics (formerly Invitae), Labcorp
Classification: Uncertain significance for Hereditary diffuse gastric adenocarcinoma. Last evaluated: 2021-08-03. Review status: criteria provided, single submitter. Criteria: Invitae Variant Classification Sherloc (09022015). Collection method: clinical testing. Allele origin: germline.
Comment: This sequence change replaces methionine with isoleucine at codon 875 of the CDH1 protein (p.Met875Ile). The methionine residue is highly conserved and there is a small physicochemical difference between methionine and isoleucine. This variant is not present in population databases (ExAC no frequency). This variant has not been reported in the literature in individuals with CDH1-related conditions. ClinVar contains an entry for this variant (Variation ID: 486828). Algorithms developed to predict the effect of missense changes on protein structure and function are either unavailable or do not agree on the potential impact of this missense change (SIFT: "Deleterious"; PolyPhen-2: "Possibly Damaging"; Align-GVGD: "Class C0"). In summary, the available evidence is currently insufficient to determine the role of this variant in disease. Therefore, it has been classified as a Variant of Uncertain Significance.

Ambry Genetics
Classification: Uncertain significance for Hereditary cancer-predisposing syndrome. Last evaluated: 2016-09-16. Review status: criteria provided, single submitter. Criteria: Ambry Variant Classification Scheme 2023. Collection method: clinical testing. Allele origin: germline.
Comment: The p.M875I variant (also known as c.2625G>A), located in coding exon 16 of the CDH1 gene, results from a G to A substitution at nucleotide position 2625. The methionine at codon 875 is replaced by isoleucine, an amino acid with highly similar properties. This variant was not reported in population based cohorts in the following databases: Database of Single Nucleotide Polymorphisms (dbSNP), NHLBI Exome Sequencing Project (ESP), and 1000 Genomes Project. In the ESP, this variant was not observed in 6498 samples (12996 alleles) with coverage at this position. To date, this alteration has been detected with an allele frequency of approximately 0.0004% (greater than 240000 alleles tested) in our clinical cohort. This amino acid position is highly conserved in available vertebrate species. In addition, the in silico prediction for this alteration is inconclusive. Since supporting evidence is limited at this time, the clinical significance of this alteration remains unclear.